The following is an entry in ClinVar:

NM_000169.3(GLA):c.1052T>C (p.Val351Ala)

Genes: GLA (galactosidase alpha; minus strand), RPL36A-HNRNPH2 (RPL36A-HNRNPH2 readthrough; plus strand). Cytogenetic location: Xq22.1.
Variant type: single nucleotide variant.
Coding change: c.1052T>C on transcript NM_000169.3 (MANE Select); coding-DNA position 1052, T replaced by C.
Protein change: p.Val351Ala; replaces valine 351 with alanine.
Molecular consequence: missense variant. On other transcripts: non-coding transcript variant (3), intron variant (2).
Genome position (GRCh38, 1-based): chrX:101,398,047, A>G on the plus strand (T>C on the coding strand, the complement: GLA is on the minus strand). VCF-style: chrX-101398047-A-G. GRCh37 (hg19) VCF-style: chrX-100653035-A-G.
Other names: c.1175T>C, p.Val392Ala (NM_001406747.1); c.300+2590A>G (NM_001199973.2); c.177+6225A>G (NM_001199974.2); short protein forms V351A, V392A.
Identifiers: ClinVar variation 4743657 (VCV004743657.2).
Genomic context (GRCh38, chrX:101,398,047, plus strand): 5'-GAAGCAACTGCGATGGTATAAGAGCGAGGTCCACCAATCTCCTGCCGGTTTATCATAGCT[A>G]CAGCCCAGGCTAAGCCTGAGAGAGGTCGTTCCCACACTTCAAAGTTGTCTCCCTGAAAAA-3'
Protein context (NP_000160.1, residues 341-361): ERPLSGLAWA[Val351Ala]AMINRQEIGG

ClinVar aggregate classification (germline): Uncertain significance. Review status: criteria provided, multiple submitters, no conflicts (2 of 4 stars). 2 submissions from 2 submitters: Uncertain significance (2). Last evaluated 2026-02-21.

Conditions:
Fabry disease. Also called: Fabry's disease; ALPHA-GALACTOSIDASE A DEFICIENCY; ANDERSON-FABRY DISEASE; CERAMIDE TRIHEXOSIDASE DEFICIENCY; GLA DEFICIENCY; HEREDITARY DYSTOPIC LIPIDOSIS. Identifiers: Orphanet 324, MedGen C0002986, MONDO:0010526, OMIM 301500, HP:0001071. Disease mechanism: Fabry disease is due to inactivating mutations in the X-linked GLA gene resulting in deficiency of the enzyme Alpha Galactosidase-A., loss of function.

Submissions (2):

GeneDx
Classification: Uncertain significance. Last evaluated: 2026-02-21. Review status: criteria provided, single submitter. Criteria: GeneDx Variant Classification Process June 2021. Collection method: clinical testing. Allele origin: germline.
Comment: Not observed at significant frequency in large population cohorts (gnomAD); In silico analysis supports that this missense variant has a deleterious effect on protein structure/function; Has not been previously published as pathogenic or benign to our knowledge

Labcorp Genetics (formerly Invitae), Labcorp
Classification: Uncertain significance for Fabry disease. Last evaluated: 2025-10-27. Review status: criteria provided, single submitter. Criteria: Invitae Variant Classification Sherloc (09022015). Collection method: clinical testing. Allele origin: germline.
Comment: This sequence change replaces valine, which is neutral and non-polar, with alanine, which is neutral and non-polar, at codon 351 of the GLA protein (p.Val351Ala). This variant is not present in population databases (gnomAD no frequency). This variant has not been reported in the literature in individuals affected with GLA-related conditions. Invitae Evidence Modeling of protein sequence and biophysical properties (such as structural, functional, and spatial information, amino acid conservation, physicochemical variation, residue mobility, and thermodynamic stability) indicates that this missense variant is not expected to disrupt GLA protein function with a negative predictive value of 80%. In summary, the available evidence is currently insufficient to determine the role of this variant in disease. Therefore, it has been classified as a Variant of Uncertain Significance.